The following is an entry in ClinVar:

ClinVar aggregate classification (germline): Uncertain significance. Review status: criteria provided, single submitter (1 of 4 stars). 2 submissions from 2 submitters: Uncertain significance (1). 1 of the submissions does not count toward it. Last evaluated 2024-04-15.

Allele frequency attached by ClinVar (database versions not stated): gnomAD exomes 0.00001.
gnomAD v4.1: 9 of 1,611,870 alleles (0.00056%); highest among the groups gnomAD compares: Middle Eastern, 0.017%; no homozygotes.

Submissions (2):

Women's Health and Genetics/Laboratory Corporation of America, LabCorp
Classification: Uncertain significance. Last evaluated: 2024-04-15. Review status: criteria provided, single submitter. Criteria: LabCorp Variant Classification Summary - May 2015. Collection method: clinical testing. Allele origin: germline.

Department of Pathology and Laboratory Medicine, Sinai Health System
Classification: Uncertain significance. Review status: no assertion criteria provided. Collection method: clinical testing. Allele origin: unknown. Affected: yes. Study: The Canadian Open Genetics Repository (COGR). Not counted in ClinVar's aggregate classification.
Comment: The GNPTAB p.Asp315Glu variant was not identified in the literature nor was it identified in dbSNP, ClinVar, Cosmic or LOVD3.0. The variant was also not identified in the following control databases: the 1000 Genomes Project, the NHLBI GO Exome Sequencing Project, the Exome Aggregation Consortium (August 8th 2016), or the Genome Aggregation Database (Feb 27, 2017). The variant occurs outside of the splicing consensus sequence and 3 of 4 in silico or computational prediction software programs (SpliceSiteFinder, MaxEntScan, NNSPLICE) do not predict a difference in splicing. The p.Asp315 residue is conserved in mammals and computational analyses (PolyPhen-2, SIFT, AlignGVGD, BLOSUM, MutationTaster) provide inconsistent predictions regarding the impact to the protein; this information is not very predictive of pathogenicity. In summary, based on the above information the clinical significance of this variant cannot be determined with certainty at this time. This variant is classified as a variant of uncertain significance.

NM_024312.5(GNPTAB):c.945T>G (p.Asp315Glu)

Gene: GNPTAB (N-acetylglucosamine-1-phosphate transferase subunits alpha and beta; minus strand). Cytogenetic location: 12q23.2.
Variant type: single nucleotide variant.
Coding change: c.945T>G on transcript NM_024312.5 (MANE Select); coding-DNA position 945, T replaced by G.
Protein change: p.Asp315Glu; replaces aspartic acid 315 with glutamic acid.
Molecular consequence: missense variant.
Genome position (GRCh38, 1-based): chr12:101,770,574, A>C on the plus strand (T>G on the coding strand, the complement: GNPTAB is on the minus strand). VCF-style: chr12-101770574-A-C. GRCh37 (hg19) VCF-style: chr12-102164352-A-C.
Other names: short protein forms D315E.
Identifiers: ClinVar variation 1049976 (VCV001049976.2), dbSNP rs2137124308, ClinGen allele CA386303377.
Genomic context (GRCh38, chr12:101,770,574, plus strand): 5'-AGATCGCAATGAGTACCTCAGTTCTTCGTTATCTTCAAAACGACTGGCAGAGATGTCTTC[A>C]TCCTGCTTAGACTGAGAAAAACACTTGGCATATGAAGATGTGAAATACCCCTTAAGTCAT-3'
Protein context (NP_077288.2, residues 305-325): DLSAISQSKQ[Asp315Glu]EDISASRFED